The following is an entry in ClinVar:

NM_000218.3(KCNQ1):c.1393+20735_1393+20738del

Genes: KCNQ1 (potassium voltage-gated channel subfamily Q member 1; plus strand), KCNQ1OT1 (KCNQ1 opposite strand/antisense transcript 1; minus strand). Cytogenetic location: 11p15.5.
Variant type: Microsatellite.
Coding change: c.1393+20735_1393+20738del on transcript NM_000218.3 (MANE Select); bases 20735 to 20738 of the intron after coding-DNA position 1393, 4 bases deleted (TCTT; older notation c.1393+20735_1393+20738delTCTT).
Molecular consequence: intron variant.
Genome position (GRCh38, 1-based): chr11:2,609,589-2,609,592, TCTT deleted; deleting any 4 consecutive bases within chr11:2,609,584-2,609,592 gives the same sequence; the c. name uses the placement nearest the transcript's 3' end. VCF-style (leftmost placement, unchanged base first): chr11-2609583-CTTCT-C. GRCh37 (hg19) VCF-style: chr11-2630813-CTTCT-C.
Other names: c.1123+20735_1123+20738del (NM_001406837.1); c.1297+20735_1297+20738del (NM_001406836.1); c.853+20735_853+20738del (NM_001406838.1); c.1012+20735_1012+20738del (NM_181798.2).
Identifiers: ClinVar variation 1879154 (VCV001879154.29), dbSNP rs911734034, ClinGen allele CA216355738.
Genomic context (GRCh38, chr11:2,609,583, plus strand): 5'-ATTACCTTTTGAGTCTAGTTGGTTTATGGTGTTGCTCATATCTTCTGTTTCCTTATTGAT[CTTCT>C]TTCTTGTACTACACATTATTGAAAGTGGAGTGTTGAAGTCTCCAACTACTATTGTTGAAT-3'

ClinVar aggregate classification (germline): Benign (1 of 4 stars; one submission).

Submission:

CeGaT Center for Human Genetics Tuebingen
Classification: Benign. Last evaluated: 2022-10-01. Review status: criteria provided, single submitter. Criteria: CeGaT Center For Human Genetics Tuebingen Variant Classification Criteria Version 2. Collection method: clinical testing. Allele origin: germline. Affected: yes. Observed: 1 variant allele.
Comment: KCNQ1OT1: BS1, BS2